The following is an entry in ClinVar:

NM_000168.6(GLI3):c.4564dup (p.Ala1522fs)

Gene: GLI3 (GLI family zinc finger 3; minus strand). Cytogenetic location: 7p14.1.
Variant type: Duplication.
Coding change: c.4564dup on transcript NM_000168.6 (MANE Select); coding-DNA position 4564, one base duplicated (G; older notation c.4564dupG).
Protein change: p.Ala1522fs; shifts the reading frame from alanine 1522.
Molecular consequence: frameshift variant.
Genome position (GRCh38, 1-based): chr7:41,964,509, C duplicated on the plus strand (G on the coding strand, the reverse complement: GLI3 is on the minus strand); the first of 5 consecutive C bases (chr7:41,964,509-41,964,513); duplicating any one gives the same sequence. VCF-style (leftmost placement, unchanged base first): chr7-41964508-G-GC. GRCh37 (hg19) VCF-style: chr7-42004106-G-GC.
Other names: short protein forms A1522fs.
Identifiers: ClinVar variation 3340581 (VCV003340581.1).

ClinVar aggregate classification (germline): Likely pathogenic (1 of 4 stars; one submission).

Submission:

GeneDx
Classification: Likely pathogenic. Last evaluated: 2023-09-17. Review status: criteria provided, single submitter. Criteria: GeneDx Variant Classification Process June 2021. Collection method: clinical testing. Allele origin: germline. Affected: yes.
Comment: Frameshift variant predicted to result in protein truncation, as the last 59 amino acids are replaced with 12 different amino acids, and other loss-of-function variants have been reported downstream in HGMD; Not observed at significant frequency in large population cohorts (gnomAD); Has not been previously published as pathogenic or benign to our knowledge